The following is an entry in ClinVar:

NM_013266.4(CTNNA3):c.16C>T (p.Pro6Ser)

Gene: CTNNA3 (catenin alpha 3; minus strand). Cytogenetic location: 10q21.3.
Variant type: single nucleotide variant.
Coding change: c.16C>T on transcript NM_013266.4 (MANE Select); coding-DNA position 16, C replaced by T.
Protein change: p.Pro6Ser; replaces proline 6 with serine.
Molecular consequence: missense variant.
Genome position (GRCh38, 1-based): chr10:67,647,498, G>A on the plus strand (C>T on the coding strand, the complement: CTNNA3 is on the minus strand). VCF-style: chr10-67647498-G-A. GRCh37 (hg19) VCF-style: chr10-69407256-G-A.
Other names: c.16C>T, p.Pro6Ser (NM_001127384.3); c.52C>T, p.Pro18Ser (NM_001291133.2); c.16C>T (NM_013266.2); short protein forms P18S, P6S.
Identifiers: ClinVar variation 2914173 (VCV002914173.4), dbSNP rs756147614, ClinGen allele CA5520731.

ClinVar aggregate classification (germline): Uncertain significance. Review status: criteria provided, multiple submitters, no conflicts (2 of 4 stars). 2 submissions from 2 submitters: Uncertain significance (2). Last evaluated 2025-04-25.

Conditions:
Arrhythmogenic right ventricular dysplasia 13. Also called: ARRHYTHMOGENIC RIGHT VENTRICULAR CARDIOMYOPATHY 13; Arrhythmogenic right ventricular dysplasia, familial, 13. Identifiers: MedGen C3810138, MONDO:0000908, OMIM 615616.

Allele frequency attached by ClinVar (database versions not stated): TOPMed below 0.00001; gnomAD 0.00001.
gnomAD v4.1: 9 of 1,613,016 alleles (0.00056%); highest among the groups gnomAD compares: East Asian, 0.02%; no homozygotes.

Submissions (2):

Ambry Genetics
Classification: Uncertain significance. Last evaluated: 2025-04-25. Review status: criteria provided, single submitter. Criteria: Ambry Variant Classification Scheme 2023. Collection method: clinical testing. Allele origin: germline.

Labcorp Genetics (formerly Invitae), Labcorp
Classification: Uncertain significance for Arrhythmogenic right ventricular dysplasia 13. Last evaluated: 2024-01-22. Review status: criteria provided, single submitter. Criteria: Invitae Variant Classification Sherloc (09022015). Collection method: clinical testing. Allele origin: germline.
Comment: This sequence change replaces proline, which is neutral and non-polar, with serine, which is neutral and polar, at codon 6 of the CTNNA3 protein (p.Pro6Ser). This variant is present in population databases (rs756147614, gnomAD 0.04%), and has an allele count higher than expected for a pathogenic variant. This variant has not been reported in the literature in individuals affected with CTNNA3-related conditions. An algorithm developed to predict the effect of missense changes on protein structure and function (PolyPhen-2) suggests that this variant is likely to be disruptive. In summary, the available evidence is currently insufficient to determine the role of this variant in disease. Therefore, it has been classified as a Variant of Uncertain Significance.